The following is an entry in ClinVar:

ClinVar aggregate classification (germline): Uncertain significance. Review status: criteria provided, multiple submitters, no conflicts (2 of 4 stars). 2 submissions from 2 submitters: Uncertain significance (2). Last evaluated 2026-07-07.

Conditions:
Hereditary diffuse gastric adenocarcinoma (HDGC). Also called: DIFFUSE GASTRIC AND LOBULAR BREAST CANCER SYNDROME. Identifiers: Orphanet 26106, MedGen C1708349, MONDO:0007648, OMIM 137215.
Hereditary cancer-predisposing syndrome. Also called: Neoplastic Syndromes, Hereditary; Hereditary Cancer Syndrome; Tumor predisposition; Hereditary neoplastic syndrome. Identifiers: Orphanet 140162, MedGen C0027672, MeSH D009386, MONDO:0015356.

Allele frequency attached by ClinVar (database versions not stated): gnomAD exomes below 0.00001.
gnomAD v4.1: 1 of 1,614,194 alleles (0.000062%); highest among the groups gnomAD compares: Non-Finnish European, 0.000085%; no homozygotes.

Submissions (2):

Ambry Genetics
Classification: Uncertain significance for Hereditary cancer-predisposing syndrome. Last evaluated: 2026-07-07. Review status: criteria provided, single submitter. Criteria: Ambry Variant Classification Scheme 2023. Collection method: clinical testing. Allele origin: germline.
Comment: The p.G324A variant (also known as c.971G>C), located in coding exon 7 of the CDH1 gene, results from a G to C substitution at nucleotide position 971. The glycine at codon 324 is replaced by alanine, an amino acid with similar properties. This amino acid position is conserved. In addition, this alteration is predicted to be deleterious by in silico analysis. Based on the available evidence, the clinical significance of this variant remains unclear.

Labcorp Genetics (formerly Invitae), Labcorp
Classification: Uncertain significance for Hereditary diffuse gastric adenocarcinoma. Last evaluated: 2022-09-21. Review status: criteria provided, single submitter. Criteria: Invitae Variant Classification Sherloc (09022015). Collection method: clinical testing. Allele origin: germline.
Comment: In summary, the available evidence is currently insufficient to determine the role of this variant in disease. Therefore, it has been classified as a Variant of Uncertain Significance. Algorithms developed to predict the effect of missense changes on protein structure and function (SIFT, PolyPhen-2, Align-GVGD) all suggest that this variant is likely to be disruptive. ClinVar contains an entry for this variant (Variation ID: 406643). This variant has not been reported in the literature in individuals affected with CDH1-related conditions. This variant is not present in population databases (gnomAD no frequency). This sequence change replaces glycine, which is neutral and non-polar, with alanine, which is neutral and non-polar, at codon 324 of the CDH1 protein (p.Gly324Ala).

NM_004360.5(CDH1):c.971G>C (p.Gly324Ala)

Gene: CDH1 (cadherin 1; plus strand). Cytogenetic location: 16q22.1.
Variant type: single nucleotide variant.
Coding change: c.971G>C on transcript NM_004360.5 (MANE Select); coding-DNA position 971, G replaced by C.
Protein change: p.Gly324Ala; replaces glycine 324 with alanine.
Molecular consequence: missense variant. On other transcripts: 5 prime UTR variant (2).
Genome position (GRCh38, 1-based): chr16:68,811,822, G>C. VCF-style: chr16-68811822-G-C. GRCh37 (hg19) VCF-style: chr16-68845725-G-C.
Other names: c.971G>C, p.Gly324Ala (NM_001317184.2); c.-645G>C (NM_001317185.2); c.-849G>C (NM_001317186.2); c.971G>C (LRG_301t1); short protein forms G324A.
Identifiers: ClinVar variation 406643 (VCV000406643.10), dbSNP rs1060501232, ClinGen allele CA16614969.